The following is an entry in ClinVar:

ClinVar aggregate classification (germline): Uncertain significance. Review status: criteria provided, multiple submitters, no conflicts (2 of 4 stars). 2 submissions from 2 submitters: Uncertain significance (2). Last evaluated 2024-02-01.

Conditions:
Cardiovascular phenotype. Identifiers: MedGen CN230736.
Alstrom syndrome (ALMS). Identifiers: Orphanet 64, MedGen C0268425, MONDO:0008763, OMIM 203800.

Allele frequency attached by ClinVar (database versions not stated): gnomAD 0.00001; ExAC 0.00002; gnomAD exomes 0.00002; 1000 Genomes Project 30x 0.00016; 1000 Genomes Project 0.00020.
gnomAD v4.1: 25 of 1,614,090 alleles (0.0015%); highest among the groups gnomAD compares: South Asian, 0.024%; 1 homozygote.

Submissions (2):

Ambry Genetics
Classification: Uncertain significance for Cardiovascular phenotype. Last evaluated: 2024-02-01. Review status: criteria provided, single submitter. Criteria: Ambry Variant Classification Scheme 2023. Collection method: clinical testing. Allele origin: germline.
Comment: The p.H2192R variant (also known as c.6575A>G), located in coding exon 8 of the ALMS1 gene, results from an A to G substitution at nucleotide position 6575. The histidine at codon 2192 is replaced by arginine, an amino acid with highly similar properties. This amino acid position is not well conserved in available vertebrate species. In addition, this alteration is predicted to be tolerated by in silico analysis. Based on the available evidence, the clinical significance of this alteration remains unclear.

Labcorp Genetics (formerly Invitae), Labcorp
Classification: Uncertain significance for Alstrom syndrome. Last evaluated: 2022-03-31. Review status: criteria provided, single submitter. Criteria: Invitae Variant Classification Sherloc (09022015). Collection method: clinical testing. Allele origin: germline.
Comment: This sequence change replaces histidine, which is basic and polar, with arginine, which is basic and polar, at codon 2192 of the ALMS1 protein (p.His2192Arg). This variant is present in population databases (rs550441966, gnomAD 0.02%). This variant has not been reported in the literature in individuals affected with ALMS1-related conditions. Experimental studies and prediction algorithms are not available or were not evaluated, and the functional significance of this variant is currently unknown. In summary, the available evidence is currently insufficient to determine the role of this variant in disease. Therefore, it has been classified as a Variant of Uncertain Significance.

NM_001378454.1(ALMS1):c.6572A>G (p.His2191Arg)

Gene: ALMS1 (ALMS1 centrosome and basal body associated protein; plus strand). Cytogenetic location: 2p13.1.
Variant type: single nucleotide variant.
Coding change: c.6572A>G on transcript NM_001378454.1 (MANE Select); coding-DNA position 6572, A replaced by G.
Protein change: p.His2191Arg; replaces histidine 2191 with arginine.
Molecular consequence: missense variant.
Genome position (GRCh38, 1-based): chr2:73,453,099, A>G. VCF-style: chr2-73453099-A-G. GRCh37 (hg19) VCF-style: chr2-73680226-A-G.
Other names: c.6575A>G, p.His2192Arg (NM_015120.4); short protein forms H2191R, H2192R.
Identifiers: ClinVar variation 2428185 (VCV002428185.4), dbSNP rs550441966, ClinGen allele CA1714086.
Genomic context (GRCh38, chr2:73,453,099, plus strand): 5'-CTCTTGGGCAAGCTGATCAAATTACCGGATTACAAACAGTTCCCTCTGGTACTTACTCAC[A>G]TGGTGAGAATCACAAGCTTGTTTCAGAACATGTCCAAAGGCTAATAGATAATTTGAATTC-3'
Protein context (NP_001365383.1, residues 2181-2201): LQTVPSGTYS[His2191Arg]GENHKLVSEH